The following is an entry in ClinVar:

ClinVar aggregate classification (germline): Uncertain significance. Review status: criteria provided, multiple submitters, no conflicts (2 of 4 stars). 5 submissions from 5 submitters: Uncertain significance (5). Last evaluated 2025-03-04.

Conditions:
Inborn genetic diseases. Identifiers: MedGen C0950123, MeSH D030342.
Beta-D-mannosidosis (MANSB). Also called: MANNOSIDOSIS, BETA A, LYSOSOMAL; BETA-MANNOSIDASE DEFICIENCY; LYSOSOMAL BETA-MANNOSIDASE DEFICIENCY; Beta-Mannosidosis. Identifiers: Orphanet 118, MedGen C4048196, MONDO:0009562, OMIM 248510.

Allele frequency attached by ClinVar (database versions not stated): gnomAD 0.00001; gnomAD exomes 0.00004 and 0.00001; TOPMed 0.00005; 1000 Genomes Project 0.00020; ExAC 0.00004; 1000 Genomes Project 30x 0.00016.
gnomAD v4.1: 11 of 1,611,684 alleles (0.00068%); highest among the groups gnomAD compares: Admixed American, 0.018%; no homozygotes.

Submissions (5):

Ambry Genetics
Classification: Uncertain significance for Inborn genetic diseases. Last evaluated: 2025-03-04. Review status: criteria provided, single submitter. Criteria: Ambry Variant Classification Scheme 2023. Collection method: clinical testing. Allele origin: germline.

GeneDx
Classification: Uncertain significance. Last evaluated: 2023-05-11. Review status: criteria provided, single submitter. Criteria: GeneDx Variant Classification Process June 2021. Collection method: clinical testing. Allele origin: germline. Affected: yes.
Comment: In silico analysis supports that this missense variant does not alter protein structure/function; Has not been previously published as pathogenic or benign to our knowledge

Labcorp Genetics (formerly Invitae), Labcorp
Classification: Uncertain significance for Beta-D-mannosidosis. Last evaluated: 2022-08-19. Review status: criteria provided, single submitter. Criteria: Invitae Variant Classification Sherloc (09022015). Collection method: clinical testing. Allele origin: germline.
Comment: This sequence change replaces isoleucine, which is neutral and non-polar, with valine, which is neutral and non-polar, at codon 358 of the MANBA protein (p.Ile358Val). This variant is present in population databases (rs199966543, gnomAD 0.02%). This variant has not been reported in the literature in individuals affected with MANBA-related conditions. ClinVar contains an entry for this variant (Variation ID: 900300). Algorithms developed to predict the effect of missense changes on protein structure and function (SIFT, PolyPhen-2, Align-GVGD) all suggest that this variant is likely to be disruptive. In summary, the available evidence is currently insufficient to determine the role of this variant in disease. Therefore, it has been classified as a Variant of Uncertain Significance.

Fulgent Genetics
Classification: Uncertain significance for Beta-D-mannosidosis. Last evaluated: 2021-08-06. Review status: criteria provided, single submitter. Criteria: ACMG Guidelines, 2015. Collection method: clinical testing. Allele origin: unknown.

Illumina Laboratory Services, Illumina
Classification: Uncertain significance for Beta-D-mannosidosis. Last evaluated: 2018-01-12. Review status: criteria provided, single submitter. Criteria: ICSL Variant Classification Criteria 13 December 2019. Collection method: clinical testing. Allele origin: germline.

NM_005908.4(MANBA):c.1072A>G (p.Ile358Val)

Gene: MANBA (mannosidase beta; minus strand). Cytogenetic location: 4q24.
Variant type: single nucleotide variant.
Coding change: c.1072A>G on transcript NM_005908.4 (MANE Select); coding-DNA position 1072, A replaced by G.
Protein change: p.Ile358Val; replaces isoleucine 358 with valine.
Molecular consequence: missense variant.
Genome position (GRCh38, 1-based): chr4:102,673,959, T>C on the plus strand (A>G on the coding strand, the complement: MANBA is on the minus strand). VCF-style: chr4-102673959-T-C. GRCh37 (hg19) VCF-style: chr4-103595116-T-C.
Other names: short protein forms I358V.
Identifiers: ClinVar variation 900300 (VCV000900300.9), dbSNP rs199966543, ClinGen allele CA3027026.